The following is an entry in ClinVar:

NM_000256.3(MYBPC3):c.308T>G (p.Met103Arg)

Gene: MYBPC3 (myosin binding protein C3; minus strand). Cytogenetic location: 11p11.2.
Variant type: single nucleotide variant.
Coding change: c.308T>G on transcript NM_000256.3 (MANE Select); coding-DNA position 308, T replaced by G.
Protein change: p.Met103Arg; replaces methionine 103 with arginine.
Molecular consequence: missense variant.
Genome position (GRCh38, 1-based): chr11:47,350,600, A>C on the plus strand (T>G on the coding strand, the complement: MYBPC3 is on the minus strand). VCF-style: chr11-47350600-A-C. GRCh37 (hg19) VCF-style: chr11-47372151-A-C.
Other names: short protein forms M103R.
Identifiers: ClinVar variation 2773770 (VCV002773770.7), dbSNP rs2095899775, ClinGen allele CA380341109.

ClinVar aggregate classification (germline): Uncertain significance. Review status: criteria provided, multiple submitters, no conflicts (2 of 4 stars). 3 submissions from 3 submitters: Uncertain significance (3). Last evaluated 2026-09-11.

Conditions:
Cardiomyopathy (CMYO). Also called: Cardiomyopathies. Identifiers: Orphanet 167848, MedGen C0878544, MONDO:0004994, HP:0001638. Inheritance: Various modes of inheritance.
Cardiovascular phenotype. Identifiers: MedGen CN230736.
Hypertrophic cardiomyopathy. Also called: HYPERTROPHIC MYOCARDIOPATHY. Identifiers: Orphanet 217569, MedGen C0007194, MeSH D002312, MONDO:0005045, HP:0001639.

Allele frequency attached by ClinVar (database versions not stated): gnomAD 0.00001.

Submissions (3):

Ambry Genetics
Classification: Uncertain significance for Cardiovascular phenotype. Last evaluated: 2026-09-11. Review status: criteria provided, single submitter. Criteria: Ambry Variant Classification Scheme 2023. Collection method: clinical testing. Allele origin: germline.
Comment: The p.M103R variant (also known as c.308T>G), located in coding exon 3 of the MYBPC3 gene, results from a T to G substitution at nucleotide position 308. The methionine at codon 103 is replaced by arginine, an amino acid with similar properties. This amino acid position is conserved. In addition, this alteration is predicted to be tolerated by in silico analysis. Based on the available evidence, the clinical significance of this variant remains unclear.

Color Diagnostics, LLC DBA Color Health
Classification: Uncertain significance for Cardiomyopathy. Last evaluated: 2024-03-07. Review status: criteria provided, single submitter. Criteria: ACMG Guidelines, 2015. Collection method: clinical testing. Allele origin: germline.
Comment: This missense variant replaces methionine with arginine at codon 103 of the MYBPC3 protein. Computational prediction suggests that this variant may not impact protein structure and function (internally defined REVEL score threshold <= 0.5, PMID: 27666373). To our knowledge, functional studies have not been reported for this variant. This variant has not been reported in individuals affected with MYBPC3-related disorders in the literature. This variant has not been identified in the general population by the Genome Aggregation Database (gnomAD). The available evidence is insufficient to determine the role of this variant in disease conclusively. Therefore, this variant is classified as a Variant of Uncertain Significance.

Labcorp Genetics (formerly Invitae), Labcorp
Classification: Uncertain significance for Hypertrophic cardiomyopathy. Last evaluated: 2023-10-06. Review status: criteria provided, single submitter. Criteria: Invitae Variant Classification Sherloc (09022015). Collection method: clinical testing. Allele origin: germline.
Comment: This sequence change replaces methionine, which is neutral and non-polar, with arginine, which is basic and polar, at codon 103 of the MYBPC3 protein (p.Met103Arg). This variant is not present in population databases (gnomAD no frequency). This variant has not been reported in the literature in individuals affected with MYBPC3-related conditions. An algorithm developed to predict the effect of missense changes on protein structure and function (PolyPhen-2) suggests that this variant is likely to be tolerated. In summary, the available evidence is currently insufficient to determine the role of this variant in disease. Therefore, it has been classified as a Variant of Uncertain Significance.